The following is an entry in ClinVar:

ClinVar aggregate classification (germline): Conflicting classifications of pathogenicity. Review status: criteria provided, conflicting classifications (1 of 4 stars). 3 submissions from 3 submitters: Uncertain significance (2); Likely benign (1). Last evaluated 2025-08-10.

Conditions:
Xeroderma pigmentosum, group C (XPC). Also called: Xeroderma pigmentosum, complementation group C; XERODERMA PIGMENTOSUM III; XP, GROUP C; XPC-Related Xeroderma Pigmentosum. Identifiers: Orphanet 910, MedGen C2752147, MONDO:0010211, OMIM 278720.
Inborn genetic diseases. Identifiers: MedGen C0950123, MeSH D030342.

Allele frequency attached by ClinVar (database versions not stated): gnomAD 0.00001; TOPMed 0.00001.
gnomAD v4.1: 9 of 1,613,792 alleles (0.00056%); highest among the groups gnomAD compares: East Asian, 0.0022%; no homozygotes.

Submissions (3):

Ambry Genetics
Classification: Likely benign for Inborn genetic diseases. Last evaluated: 2025-08-10. Review status: criteria provided, single submitter. Criteria: Ambry Variant Classification Scheme 2023. Collection method: clinical testing. Allele origin: germline.

Fulgent Genetics
Classification: Uncertain significance for Xeroderma pigmentosum, group C. Last evaluated: 2024-02-07. Review status: criteria provided, single submitter. Criteria: ACMG Guidelines, 2015. Collection method: clinical testing. Allele origin: germline.

Labcorp Genetics (formerly Invitae), Labcorp
Classification: Uncertain significance. Last evaluated: 2022-07-17. Review status: criteria provided, single submitter. Criteria: Invitae Variant Classification Sherloc (09022015). Collection method: clinical testing. Allele origin: germline.
Comment: This sequence change replaces arginine, which is basic and polar, with glutamine, which is neutral and polar, at codon 155 of the XPC protein (p.Arg155Gln). This variant is present in population databases (rs767501069, gnomAD 0.004%). This variant has not been reported in the literature in individuals affected with XPC-related conditions. Algorithms developed to predict the effect of missense changes on protein structure and function output the following: SIFT: "Not Available"; PolyPhen-2: "Benign"; Align-GVGD: "Not Available". The glutamine amino acid residue is found in multiple mammalian species, which suggests that this missense change does not adversely affect protein function. In summary, the available evidence is currently insufficient to determine the role of this variant in disease. Therefore, it has been classified as a Variant of Uncertain Significance.

NM_004628.5(XPC):c.464G>A (p.Arg155Gln)

Gene: XPC (XPC complex subunit, DNA damage recognition and repair factor; minus strand). Cytogenetic location: 3p25.1.
Variant type: single nucleotide variant.
Coding change: c.464G>A on transcript NM_004628.5 (MANE Select); coding-DNA position 464, G replaced by A.
Protein change: p.Arg155Gln; replaces arginine 155 with glutamine.
Molecular consequence: missense variant. On other transcripts: non-coding transcript variant (1), intron variant (1).
Genome position (GRCh38, 1-based): chr3:14,168,329, C>T on the plus strand (G>A on the coding strand, the complement: XPC is on the minus strand). VCF-style: chr3-14168329-C-T. GRCh37 (hg19) VCF-style: chr3-14209829-C-T.
Other names: c.464G>A, p.Arg155Gln (NM_001354727.2, NM_001354730.2); c.446G>A, p.Arg149Gln (NM_001354729.2); c.-43-1076G>A (NM_001354726.2); short protein forms R149Q, R155Q.
Identifiers: ClinVar variation 2159586 (VCV002159586.3), dbSNP rs767501069, ClinGen allele CA2267702.